The following is an entry in ClinVar:

ClinVar aggregate classification (germline): Uncertain significance. Review status: criteria provided, multiple submitters, no conflicts (2 of 4 stars). 2 submissions from 2 submitters: Uncertain significance (2). Last evaluated 2024-10-29.

Conditions:
Autosomal recessive spastic paraplegia type 78. Identifiers: Orphanet 513436, MedGen C5567893, MONDO:0014975, OMIM 617225.
Kufor-Rakeb syndrome (KRS). Also called: PARKINSON DISEASE 9, AUTOSOMAL RECESSIVE, JUVENILE-ONSET. Identifiers: Orphanet 306674, Orphanet 314632, MedGen C1847640, MONDO:0011706, OMIM 606693.
Inborn genetic diseases. Identifiers: MedGen C0950123, MeSH D030342.

Allele frequency attached by ClinVar (database versions not stated): TOPMed 0.00002; gnomAD exomes 0.00004 and 0.00005; gnomAD 0.00006 and 0.00007; ExAC 0.00007; ESP Exome Variant Server 0.00008; 1000 Genomes Project 30x 0.00016; 1000 Genomes Project 0.00020.
gnomAD v4.1: 68 of 1,614,114 alleles (0.0042%); highest among the groups gnomAD compares: Admixed American, 0.01%; no homozygotes.

Submissions (2):

Labcorp Genetics (formerly Invitae), Labcorp
Classification: Uncertain significance for Kufor-Rakeb syndrome; Autosomal recessive spastic paraplegia type 78. Last evaluated: 2024-10-29. Review status: criteria provided, single submitter. Criteria: Invitae Variant Classification Sherloc (09022015). Collection method: clinical testing. Allele origin: germline.
Comment: This sequence change replaces alanine, which is neutral and non-polar, with valine, which is neutral and non-polar, at codon 154 of the ATP13A2 protein (p.Ala154Val). This variant is present in population databases (rs376169767, gnomAD 0.01%). This variant has not been reported in the literature in individuals affected with ATP13A2-related conditions. ClinVar contains an entry for this variant (Variation ID: 854384). Invitae Evidence Modeling of protein sequence and biophysical properties (such as structural, functional, and spatial information, amino acid conservation, physicochemical variation, residue mobility, and thermodynamic stability) indicates that this missense variant is not expected to disrupt ATP13A2 protein function with a negative predictive value of 80%. In summary, the available evidence is currently insufficient to determine the role of this variant in disease. Therefore, it has been classified as a Variant of Uncertain Significance.

Ambry Genetics
Classification: Uncertain significance for Inborn genetic diseases. Last evaluated: 2017-11-16. Review status: criteria provided, single submitter. Criteria: Ambry Variant Classification Scheme 2023. Collection method: clinical testing. Allele origin: germline.
Comment: The p.A154V variant (also known as c.461C>T), located in coding exon 5 of the ATP13A2 gene, results from a C to T substitution at nucleotide position 461. The alanine at codon 154 is replaced by valine, an amino acid with similar properties. This amino acid position is well conserved in available vertebrate species. In addition, this alteration is predicted to be tolerated by in silico analysis. Since supporting evidence is limited at this time, the clinical significance of this alteration remains unclear.

NM_022089.4(ATP13A2):c.461C>T (p.Ala154Val)

Gene: ATP13A2 (ATPase cation transporting 13A2; minus strand). Cytogenetic location: 1p36.13.
Variant type: single nucleotide variant.
Coding change: c.461C>T on transcript NM_022089.4 (MANE Select); coding-DNA position 461, C replaced by T.
Protein change: p.Ala154Val; replaces alanine 154 with valine.
Molecular consequence: missense variant.
Genome position (GRCh38, 1-based): chr1:17,004,708, G>A on the plus strand (C>T on the coding strand, the complement: ATP13A2 is on the minus strand). VCF-style: chr1-17004708-G-A. GRCh37 (hg19) VCF-style: chr1-17331203-G-A.
Other names: c.461C>T, p.Ala154Val (NM_001141973.3, NM_001141974.3); short protein forms A154V.
Identifiers: ClinVar variation 854384 (VCV000854384.7), dbSNP rs376169767, ClinGen allele CA637642.